The following is an entry in ClinVar:

NM_001710.6(CFB):c.882C>T (p.Val294=)

Gene: CFB (complement factor B; plus strand). Cytogenetic location: 6p21.33.
Variant type: single nucleotide variant.
Coding change: c.882C>T on transcript NM_001710.6 (MANE Select); coding-DNA position 882, C replaced by T.
Protein change: p.Val294=; no amino-acid change (valine 294 retained).
Molecular consequence: synonymous variant.
Genome position (GRCh38, 1-based): chr6:31,948,066, C>T. VCF-style: chr6-31948066-C-T. GRCh37 (hg19) VCF-style: chr6-31915843-C-T.
Identifiers: ClinVar variation 2814204 (VCV002814204.3), dbSNP rs1771548414, ClinGen allele CA449811775.

ClinVar aggregate classification (germline): Uncertain significance (1 of 4 stars; one submission).

Submission:

Labcorp Genetics (formerly Invitae), Labcorp
Classification: Uncertain significance. Last evaluated: 2023-11-28. Review status: criteria provided, single submitter. Criteria: Invitae Variant Classification Sherloc (09022015). Collection method: clinical testing. Allele origin: germline.
Comment: This sequence change affects codon 294 of the CFB mRNA. It is a 'silent' change, meaning that it does not change the encoded amino acid sequence of the CFB protein. This variant is not present in population databases (gnomAD no frequency). This variant has not been reported in the literature in individuals affected with CFB-related conditions. Algorithms developed to predict the effect of sequence changes on RNA splicing suggest that this variant may disrupt the consensus splice site. In summary, the available evidence is currently insufficient to determine the role of this variant in disease. Therefore, it has been classified as a Variant of Uncertain Significance.